The following is an entry in ClinVar:

ClinVar aggregate classification (germline): Uncertain significance (1 of 4 stars; one submission).

Submission:

GeneDx
Classification: Uncertain significance. Last evaluated: 2024-03-30. Review status: criteria provided, single submitter. Criteria: GeneDx Variant Classification Process June 2021. Collection method: clinical testing. Allele origin: germline. Affected: yes.
Comment: Not observed at significant frequency in large population cohorts (gnomAD); In silico analysis supports that this missense variant does not alter protein structure/function; Has not been previously published as pathogenic or benign to our knowledge

NM_006734.4(HIVEP2):c.2273T>A (p.Phe758Tyr)

Gene: HIVEP2 (HIVEP zinc finger 2; minus strand). Cytogenetic location: 6q24.2.
Variant type: single nucleotide variant.
Coding change: c.2273T>A on transcript NM_006734.4 (MANE Select); coding-DNA position 2273, T replaced by A.
Protein change: p.Phe758Tyr; replaces phenylalanine 758 with tyrosine.
Molecular consequence: missense variant.
Genome position (GRCh38, 1-based): chr6:142,772,466, A>T on the plus strand (T>A on the coding strand, the complement: HIVEP2 is on the minus strand). VCF-style: chr6-142772466-A-T. GRCh37 (hg19) VCF-style: chr6-143093603-A-T.
Other names: short protein forms F758Y.
Identifiers: ClinVar variation 3371744 (VCV003371744.1).